The following is an entry in ClinVar:

ClinVar aggregate classification (germline): Uncertain significance. Review status: criteria provided, multiple submitters, no conflicts (2 of 4 stars). 2 submissions from 2 submitters: Uncertain significance (2). Last evaluated 2025-12-17.

Conditions:
Primary immunodeficiency with post-measles-mumps-rubella vaccine viral infection. Also called: Immunodeficiency 44. Identifiers: Orphanet 431166, MedGen C4225260, MONDO:0014715, OMIM 616636.

Allele frequency attached by ClinVar (database versions not stated): gnomAD exomes below 0.00001; TOPMed below 0.00001.
gnomAD v4.1: 2 of 1,606,676 alleles (0.00012%); highest among the groups gnomAD compares: Middle Eastern, 0.033%; no homozygotes.

Submissions (2):

Labcorp Genetics (formerly Invitae), Labcorp
Classification: Uncertain significance for Primary immunodeficiency with post-measles-mumps-rubella vaccine viral infection. Last evaluated: 2025-12-17. Review status: criteria provided, single submitter. Criteria: Invitae Variant Classification Sherloc (09022015). Collection method: clinical testing. Allele origin: germline.
Comment: This sequence change replaces glycine, which is neutral and non-polar, with serine, which is neutral and polar, at codon 372 of the STAT2 protein (p.Gly372Ser). This variant is not present in population databases (gnomAD no frequency). This missense change has been observed in individual(s) with common variable immune deficiency (PMID: 29921932). ClinVar contains an entry for this variant (Variation ID: 2915479). An algorithm developed to predict the effect of missense changes on protein structure and function outputs the following: PolyPhen-2: "Benign". The serine amino acid residue is found in multiple mammalian species, which suggests that this missense change does not adversely affect protein function. In summary, the available evidence is currently insufficient to determine the role of this variant in disease. Therefore, it has been classified as a Variant of Uncertain Significance.

Blueprint Genetics
Classification: Uncertain significance. Last evaluated: 2021-09-24. Review status: criteria provided, single submitter. Criteria: ACMG Guidelines, 2015. Collection method: clinical testing. Allele origin: germline.

Literature cited by the submitters: PubMed 29921932 (cited by Labcorp Genetics (formerly Invitae), Labcorp).

NM_005419.4(STAT2):c.1114G>A (p.Gly372Ser)

Gene: STAT2 (signal transducer and activator of transcription 2; minus strand). Cytogenetic location: 12q13.3.
Variant type: single nucleotide variant.
Coding change: c.1114G>A on transcript NM_005419.4 (MANE Select); coding-DNA position 1114, G replaced by A.
Protein change: p.Gly372Ser; replaces glycine 372 with serine.
Molecular consequence: missense variant. On other transcripts: intron variant (2).
Genome position (GRCh38, 1-based): chr12:56,350,413, C>T on the plus strand (G>A on the coding strand, the complement: STAT2 is on the minus strand). VCF-style: chr12-56350413-C-T. GRCh37 (hg19) VCF-style: chr12-56744197-C-T.
Other names: c.1114G>A, p.Gly372Ser (NM_001385111.1, NM_001385113.1); c.1102G>A, p.Gly368Ser (NM_001385115.1, NM_198332.2); c.1083-223G>A (NM_001385110.1); c.1095-223G>A (NM_001385114.1); short protein forms G368S, G372S.
Identifiers: ClinVar variation 2915479 (VCV002915479.4), dbSNP rs772484617, ClinGen allele CA385261767.